The following is an entry in ClinVar:

ClinVar aggregate classification (germline): Likely benign. Review status: criteria provided, multiple submitters, no conflicts (2 of 4 stars). 2 submissions from 2 submitters: Likely benign (2). Last evaluated 2024-12-10.

Allele frequency attached by ClinVar (database versions not stated): gnomAD exomes below 0.00001; ExAC 0.00001; TOPMed 0.00002; gnomAD 0.00004.
gnomAD v4.1: 5 of 1,208,422 alleles (0.00041%); highest among the groups gnomAD compares: African/African-American, 0.0035%; no homozygotes.

Submissions (2):

Women's Health and Genetics/Laboratory Corporation of America, LabCorp
Classification: Likely benign. Last evaluated: 2024-12-10. Review status: criteria provided, single submitter. Criteria: LabCorp Variant Classification Summary - May 2015. Collection method: clinical testing. Allele origin: germline.
Comment: Variant summary: AVPR2 c.261C>T results in a synonymous change. Consensus agreement among computation tools predict no significant impact on normal splicing (TrAP). However, these predictions have yet to be confirmed by functional studies. The variant allele was found at a frequency of 1.1e-05 in 177880 control chromosomes. The available data on variant occurrences in the general population are insufficient to allow any conclusion about variant significance. To our knowledge, no occurrence of c.261C>T in individuals affected with Nephrogenic Diabetes Insipidus and no experimental evidence demonstrating its impact on protein function have been reported. ClinVar contains an entry for this variant (Variation ID: 3018595). Based on the evidence outlined above, the variant was classified as likely benign.

Labcorp Genetics (formerly Invitae), Labcorp
Classification: Likely benign. Last evaluated: 2023-03-22. Review status: criteria provided, single submitter. Criteria: Invitae Variant Classification Sherloc (09022015). Collection method: clinical testing. Allele origin: germline.

Literature cited by the submitters: PubMed 8037205 (cited by Women's Health and Genetics/Laboratory Corporation of America, LabCorp).

NM_000054.7(AVPR2):c.261C>T (p.Ala87=)

Gene: AVPR2 (arginine vasopressin receptor 2; plus strand). Cytogenetic location: Xq28.
Variant type: single nucleotide variant.
Coding change: c.261C>T on transcript NM_000054.7 (MANE Select); coding-DNA position 261, C replaced by T.
Protein change: p.Ala87=; no amino-acid change (alanine 87 retained).
Molecular consequence: synonymous variant.
Genome position (GRCh38, 1-based): chrX:153,905,767, C>T. VCF-style: chrX-153905767-C-T. GRCh37 (hg19) VCF-style: chrX-153171221-C-T.
Other names: c.261C>T, p.Ala87= (NM_001146151.3).
Identifiers: ClinVar variation 3018595 (VCV003018595.4), dbSNP rs782453202, ClinGen allele CA10554979.